The following is an entry in ClinVar:

NM_005055.5(RAPSN):c.346_357del (p.Arg116_Ala119del)

Gene: RAPSN (receptor associated protein of the synapse; minus strand). Cytogenetic location: 11p11.2.
Variant type: Deletion.
Coding change: c.346_357del on transcript NM_005055.5 (MANE Select); coding-DNA positions 346 to 357, 12 bases deleted (AGGGCAGGTGCC).
Protein change: p.Arg116_Ala119del.
Molecular consequence: inframe deletion. On other transcripts: intron variant (1).
Genome position (GRCh38, 1-based): chr11:47,447,986-47,447,997, GGCACCTGCCCT deleted on the plus strand (AGGGCAGGTGCC on the coding strand, the reverse complement: RAPSN is on the minus strand); deleting any 12 consecutive bases within chr11:47,447,986-47,447,999 gives the same sequence; the c. name uses the placement nearest the transcript's 3' end. VCF-style (leftmost placement, unchanged base first): chr11-47447985-GGGCACCTGCCCT-G. GRCh37 (hg19) VCF-style: chr11-47469537-GGGCACCTGCCCT-G.
Other names: c.346_357del, p.Arg116_Ala119del (NM_001440490.1, NM_001440491.1, NM_001440492.1 and 12 more transcripts); c.192+776_192+787del (NM_001440504.1).
Identifiers: ClinVar variation 5004800 (VCV005004800.1).
Genomic context (GRCh38, chr11:47,447,985, plus strand): 5'-GGAAGACGCTGAGGCCCAGGAAGGCATTGCCCATGCTCAGGCTGACCTGGCCTCCGAGCT[GGGCACCTGCCCT>G]GGTACCAGGCAGCCCAAGGCAGGTCTTGCAGTAGGAGATGGTCTTGTGAAACTCGCACAG-3'

ClinVar aggregate classification (germline): Uncertain significance (1 of 4 stars; one submission).

Conditions:
RAPSN-related disorder. Also called: RAPSN-related disorders; RAPSN-related condition. Identifiers: MedGen CN239397.

Submission:

Myriad Genetics, Inc.
Classification: Uncertain significance for RAPSN-related disorder. Last evaluated: 2026-07-21. Review status: criteria provided, single submitter. Criteria: Myriad Autosomal Dominant, Autosomal Recessive and X-Linked Classification Criteria (2023). Collection method: clinical testing. Allele origin: unknown.
Comment: NM_005055.4(RAPSN):c.346_357del12(R116_A119del) is an in-frame deletion classified as a variant of uncertain significance in the context of RAPSN-related disorders. R116_A119del has not been observed in cases with relevant disease. Relevant functional assessments of this variant are not available in the literature. R116_A119del has not been observed in referenced population frequency databases. In summary, there is insufficient evidence to classify NM_005055.4(RAPSN):c.346_357del12(R116_A119del) as pathogenic or benign. Please note: this variant was assessed in the context of healthy population screening.